The following is an entry in ClinVar:

NM_006979.3(SLC39A7):c.372C>T (p.Gly124=)

Gene: SLC39A7 (solute carrier family 39 member 7; plus strand). Cytogenetic location: 6p21.32.
Variant type: single nucleotide variant.
Coding change: c.372C>T on transcript NM_006979.3 (MANE Select); coding-DNA position 372, C replaced by T.
Protein change: p.Gly124=; no amino-acid change (glycine 124 retained).
Molecular consequence: synonymous variant. On other transcripts: intron variant (1).
Genome position (GRCh38, 1-based): chr6:33,201,617, C>T. VCF-style: chr6-33201617-C-T. GRCh37 (hg19) VCF-style: chr6-33169394-C-T.
Other names: c.372C>T, p.Gly124= (NM_001077516.2); c.53-144C>T (NM_001288777.2).
Identifiers: ClinVar variation 2151306 (VCV002151306.2), dbSNP rs758514072, ClinGen allele CA3752235.

ClinVar aggregate classification (germline): Uncertain significance (1 of 4 stars; one submission).

Allele frequency attached by ClinVar (database versions not stated): gnomAD exomes below 0.00001; ExAC 0.00001; gnomAD 0.00002; TOPMed 0.00005.
gnomAD v4.1: 8 of 1,612,034 alleles (0.0005%); highest among the groups gnomAD compares: African/African-American, 0.011%; no homozygotes.

Submissions (2):

Labcorp Genetics (formerly Invitae), Labcorp
Classification: Uncertain significance. Last evaluated: 2022-05-28. Review status: criteria provided, single submitter. Criteria: Invitae Variant Classification Sherloc (09022015). Collection method: clinical testing. Allele origin: germline.
Comment: This sequence change affects codon 124 of the SLC39A7 mRNA. It is a 'silent' change, meaning that it does not change the encoded amino acid sequence of the SLC39A7 protein. This variant is present in population databases (rs758514072, gnomAD 0.01%). This variant has not been reported in the literature in individuals affected with SLC39A7-related conditions. Algorithms developed to predict the effect of sequence changes on RNA splicing suggest that this variant may create or strengthen a splice site. In summary, the available evidence is currently insufficient to determine the role of this variant in disease. Therefore, it has been classified as a Variant of Uncertain Significance.

Dr. Peter K. Rogan Lab, Western University
No classification provided (evidence only). Condition: Cervical cancer. Review status: no classification provided. Collection method: in vitro. Allele origin: not applicable. Functional consequence: retained intron. Not counted in ClinVar's aggregate classification.